The following is an entry in ClinVar:

NM_001673.5(ASNS):c.203C>T (p.Pro68Leu)

Genes: ASNS (asparagine synthetase (glutamine-hydrolyzing); minus strand), CZ1P-ASNS (CZ1P-ASNS readthrough; minus strand). Cytogenetic location: 7q21.3.
Variant type: single nucleotide variant.
Coding change: c.203C>T on transcript NM_001673.5 (MANE Select); coding-DNA position 203, C replaced by T.
Protein change: p.Pro68Leu; replaces proline 68 with leucine.
Molecular consequence: missense variant. On other transcripts: intron variant (2), non-coding transcript variant (1).
Genome position (GRCh38, 1-based): chr7:97,868,954, G>A on the plus strand (C>T on the coding strand, the complement: ASNS is on the minus strand). VCF-style: chr7-97868954-G-A. GRCh37 (hg19) VCF-style: chr7-97498266-G-A.
Other names: c.-1+3087C>T (NM_001178077.1); c.140C>T, p.Pro47Leu (NM_001178075.2); c.203C>T, p.Pro68Leu (NM_001352496.2, NM_133436.3, NM_183356.4); c.-1+3397C>T (NM_001178076.2); short protein forms P68L, P47L.
Identifiers: ClinVar variation 635034 (VCV000635034.4), dbSNP rs774187768, ClinGen allele CA4354828.

ClinVar aggregate classification (germline): Uncertain significance. Review status: criteria provided, multiple submitters, no conflicts (2 of 4 stars). 3 submissions from 3 submitters: Uncertain significance (3). Last evaluated 2022-03-26.

Conditions:
Congenital microcephaly - severe encephalopathy - progressive cerebral atrophy syndrome. Also called: ASNS DEFICIENCY; Asparagine synthetase deficiency. Identifiers: Orphanet 391376, MedGen C3809971, MONDO:0014258, OMIM 615574.

Allele frequency attached by ClinVar (database versions not stated): gnomAD 0.00001; gnomAD exomes 0.00001 and 0.00002; ExAC 0.00002.

Submissions (3):

Labcorp Genetics (formerly Invitae), Labcorp
Classification: Uncertain significance. Last evaluated: 2022-03-26. Review status: criteria provided, single submitter. Criteria: Invitae Variant Classification Sherloc (09022015). Collection method: clinical testing. Allele origin: germline.
Comment: This sequence change replaces proline, which is neutral and non-polar, with leucine, which is neutral and non-polar, at codon 68 of the ASNS protein (p.Pro68Leu). The frequency data for this variant in the population databases is considered unreliable, as metrics indicate poor data quality at this position in the gnomAD database. This variant has not been reported in the literature in individuals affected with ASNS-related conditions. ClinVar contains an entry for this variant (Variation ID: 635034). Advanced modeling of protein sequence and biophysical properties (such as structural, functional, and spatial information, amino acid conservation, physicochemical variation, residue mobility, and thermodynamic stability) performed at Invitae indicates that this missense variant is expected to disrupt ASNS protein function. In summary, the available evidence is currently insufficient to determine the role of this variant in disease. Therefore, it has been classified as a Variant of Uncertain Significance.

Blueprint Genetics
Classification: Uncertain significance. Last evaluated: 2019-02-13. Review status: criteria provided, single submitter. Criteria: ACMG Guidelines, 2015. Collection method: clinical testing. Allele origin: germline.

Broad Center for Mendelian Genomics, Broad Institute of MIT and Harvard
Classification: Uncertain significance for Congenital microcephaly - severe encephalopathy - progressive cerebral atrophy syndrome. Last evaluated: 2018-06-15. Review status: criteria provided, single submitter. Criteria: ACMG Guidelines, 2015. Collection method: research. Allele origin: germline. Inheritance: Autosomal recessive inheritance. Affected: yes. Clinical features observed: Seizures.
Comment: The homozygous p.Pro68Leu variant was identified by our study in two siblings with asparagine synthetase deficiency. This variant has been identified in <0.01% (2/33582) of Latino chromosomes by the Genome Aggregation Database (gnomAD; dbSNP rs774187768). Although this variant has been seen in the general population, its frequency is low enough to be consistent with a recessive carrier frequency. The Proline (Pro) at position 68 is highly conserved in mammals and evolutionarily distant species, raising the possibility that this change at this position may not be tolerated. Computational prediction tools do not provide strong support for or against an impact to the protein. In summary, the clinical significance of this variant is uncertain.